The following is an entry in ClinVar:

ClinVar aggregate classification (germline): Uncertain significance (1 of 4 stars; one submission).

Conditions:
Floating-Harbor syndrome (FLHS). Also called: Short stature with delayed bone age, expressive language delay, a triangular face with a prominent nose and deep-set eyes; Pelletier-Leisti syndrome; SRCAP-Related Floating-Harbor Syndrome. Identifiers: Orphanet 2044, MedGen C0729582, MONDO:0007621, OMIM 136140.

Submission:

Baylor Genetics
Classification: Uncertain significance for Floating-Harbor syndrome. Last evaluated: 2020-03-21. Review status: criteria provided, single submitter. Criteria: ACMG Guidelines, 2015. Collection method: clinical testing. Allele origin: unknown. Affected: yes.
Comment: This variant was determined to be of uncertain significance according to ACMG Guidelines, 2015 [PMID:25741868].

NM_006662.3(SRCAP):c.196G>A (p.Gly66Ser)

Gene: SRCAP (Snf2 related CREBBP activator protein; plus strand). Cytogenetic location: 16p11.2.
Variant type: single nucleotide variant.
Coding change: c.196G>A on transcript NM_006662.3 (MANE Select); coding-DNA position 196, G replaced by A.
Protein change: p.Gly66Ser; replaces glycine 66 with serine.
Molecular consequence: missense variant.
Genome position (GRCh38, 1-based): chr16:30,704,205, G>A. VCF-style: chr16-30704205-G-A. GRCh37 (hg19) VCF-style: chr16-30715526-G-A.
Other names: short protein forms G66S.
Identifiers: ClinVar variation 1030125 (VCV001030125.1), dbSNP rs2052801296, ClinGen allele CA395597040.